The following is an entry in ClinVar:

ClinVar aggregate classification (germline): Likely benign. Review status: criteria provided, multiple submitters, no conflicts (2 of 4 stars). 2 submissions from 2 submitters: Likely benign (2). Last evaluated 2025-12-27.

Conditions:
Dilated cardiomyopathy 1O (CMD1O). Also called: CARDIOMYOPATHY, DILATED, WITH VENTRICULAR TACHYCARDIA. Identifiers: Orphanet 154, MedGen C1837839, MONDO:0012062, OMIM 608569.

Allele frequency attached by ClinVar (database versions not stated): gnomAD exomes below 0.00001 and 0.00002; ExAC 0.00001; gnomAD 0.00002; TOPMed 0.00002.
gnomAD v4.1: 37 of 1,613,424 alleles (0.0023%); highest among the groups gnomAD compares: Non-Finnish European, 0.0031%; no homozygotes.

Submissions (2):

Labcorp Genetics (formerly Invitae), Labcorp
Classification: Likely benign for Dilated cardiomyopathy 1O. Last evaluated: 2025-12-27. Review status: criteria provided, single submitter. Criteria: Invitae Variant Classification Sherloc (09022015). Collection method: clinical testing. Allele origin: germline.

GeneDx
Classification: Likely benign. Last evaluated: 2017-06-02. Review status: criteria provided, single submitter. Criteria: GeneDx Variant Classification (06012015). Collection method: clinical testing. Allele origin: germline. Affected: yes.
Comment: This variant is considered likely benign or benign based on one or more of the following criteria: it is a conservative change, it occurs at a poorly conserved position in the protein, it is predicted to be benign by multiple in silico algorithms, and/or has population frequency not consistent with disease.

NM_020297.4(ABCC9):c.2769+13A>G

Gene: ABCC9 (ATP binding cassette subfamily C member 9; minus strand). Cytogenetic location: 12p12.1.
Variant type: single nucleotide variant.
Coding change: c.2769+13A>G on transcript NM_020297.4 (MANE Select); 13 bases into the intron after coding-DNA position 2769, A replaced by G.
Molecular consequence: intron variant.
Genome position (GRCh38, 1-based): chr12:21,852,084, T>C on the plus strand (A>G on the coding strand, the complement: ABCC9 is on the minus strand). VCF-style: chr12-21852084-T-C. GRCh37 (hg19) VCF-style: chr12-22005018-T-C.
Other names: c.1902+13A>G (NM_001377274.1); c.2769+13A>G (NM_005691.4, NM_001377273.1).
Identifiers: ClinVar variation 509961 (VCV000509961.8), dbSNP rs771938422, ClinGen allele CA6481292.
Genomic context (GRCh38, chr12:21,852,084, plus strand): 5'-CATTCTTAGTAATTAGTAAATTTCTAACTCTTCTGAATTGGGCTCTGAACTCTTCTGAAC[T>C]ATGAGCACTTACCTTTTCTAATTCTTGATCTTGCCGATTCATAAGTGTTTTCCAGTGTTC-3'